The following is an entry in ClinVar:

NM_080680.3(COL11A2):c.1180-31_1180-12del

Gene: COL11A2 (collagen type XI alpha 2 chain; minus strand). Cytogenetic location: 6p21.32.
Variant type: Deletion.
Coding change: c.1180-31_1180-12del on transcript NM_080680.3 (MANE Select); 31 bases into the intron before coding-DNA position 1180 through 12 bases into the intron before coding-DNA position 1180, 20 bases deleted (CGCCTCTGATTTTTAACCTT).
Molecular consequence: intron variant.
Genome position (GRCh38, 1-based): chr6:33,181,017-33,181,036, AAGGTTAAAAATCAGAGGCG deleted on the plus strand (CGCCTCTGATTTTTAACCTT on the coding strand, the reverse complement: COL11A2 is on the minus strand); deleting any 20 consecutive bases within chr6:33,181,017-33,181,037 gives the same sequence; the c. name uses the placement nearest the transcript's 3' end. VCF-style (leftmost placement, unchanged base first): chr6-33181016-AAAGGTTAAAAATCAGAGGCG-A. GRCh37 (hg19) VCF-style: chr6-33148793-AAAGGTTAAAAATCAGAGGCG-A.
Other names: c.154-31_154-12del (NM_001424111.1, NM_001424110.1); c.859-31_859-12del (NM_080679.3); c.922-31_922-12del (NM_080681.3); c.1000-31_1000-12del (NM_001424108.1); c.334-31_334-12del (NM_001424109.1).
Identifiers: ClinVar variation 2768447 (VCV002768447.1), dbSNP rs1771661852, ClinGen allele CA1619901119.

ClinVar aggregate classification (germline): Uncertain significance (1 of 4 stars; one submission).

Submission:

Labcorp Genetics (formerly Invitae), Labcorp
Classification: Uncertain significance. Last evaluated: 2024-01-18. Review status: criteria provided, single submitter. Criteria: Invitae Variant Classification Sherloc (09022015). Collection method: clinical testing. Allele origin: germline.
Comment: This sequence change falls in intron 9 of the COL11A2 gene. It does not directly change the encoded amino acid sequence of the COL11A2 protein. This variant is not present in population databases (gnomAD no frequency). This variant has not been reported in the literature in individuals affected with COL11A2-related conditions. In summary, the available evidence is currently insufficient to determine the role of this variant in disease. Therefore, it has been classified as a Variant of Uncertain Significance.